The following is an entry in ClinVar:

ClinVar aggregate classification (germline): Benign. Review status: criteria provided, multiple submitters, no conflicts (2 of 4 stars). 3 submissions from 3 submitters: Benign (2). 1 of the submissions does not count toward it. Last evaluated 2018-07-31.

Conditions:
COMT-related disorder. Also called: COMT-related condition.

Allele frequency attached by ClinVar (database versions not stated): gnomAD exomes 0.00266 and 0.00673; ExAC 0.00828; gnomAD 0.02498 and 0.02701; 1000 Genomes Project 0.02756; 1000 Genomes Project 30x 0.02764; ESP Exome Variant Server 0.02860; TOPMed 0.02931.
gnomAD v4.1: 7,876 of 1,612,932 alleles (0.49%); highest among the groups gnomAD compares: African/African-American, 8.7%; 326 homozygotes.

Submissions (3):

Labcorp Genetics (formerly Invitae), Labcorp
Classification: Benign. Last evaluated: 2018-07-31. Review status: criteria provided, single submitter. Criteria: Invitae Variant Classification Sherloc (09022015). Collection method: clinical testing. Allele origin: germline.

Breakthrough Genomics
Classification: Benign. Review status: criteria provided, single submitter. Criteria: ACMG Guidelines, 2015. Collection method: not provided. Allele origin: germline. Inheritance: Autosomal dominant inheritance. Affected: yes.

PreventionGenetics, part of Exact Sciences
Classification: Benign for COMT-related condition. Last evaluated: 2019-03-12. Review status: no assertion criteria provided. Collection method: clinical testing. Allele origin: germline. Not counted in ClinVar's aggregate classification.
Comment: This variant is classified as benign based on ACMG/AMP sequence variant interpretation guidelines (Richards et al. 2015 PMID: 25741868, with internal and published modifications).

NM_000754.4(COMT):c.438C>T (p.Ala146=)

Gene: COMT (catechol-O-methyltransferase; plus strand). Cytogenetic location: 22q11.21.
Variant type: single nucleotide variant.
Coding change: c.438C>T on transcript NM_000754.4 (MANE Select); coding-DNA position 438, C replaced by T.
Protein change: p.Ala146=; no amino-acid change (alanine 146 retained).
Molecular consequence: synonymous variant.
Genome position (GRCh38, 1-based): chr22:19,963,714, C>T. VCF-style: chr22-19963714-C-T. GRCh37 (hg19) VCF-style: chr22-19951237-C-T.
Other names: c.438C>T, p.Ala146= (NM_001135161.2, NM_001135162.2, NM_001362828.2); c.288C>T, p.Ala96= (NM_007310.3).
Identifiers: ClinVar variation 790230 (VCV000790230.6), dbSNP rs8192488, ClinGen allele CA10104576.
Genomic context (GRCh38, chr22:19,963,714, plus strand): 5'-GGCCCGCCTGCTGTCACCAGGGGCGAGGCTCATCACCATCGAGATCAACCCCGACTGTGC[C>T]GCCATCACCCAGCGGATGGTGGATTTCGCTGGCGTGAAGGACAAGGTGTGCATGCCTGAC-3'
Protein context (NP_000745.1, residues 136-156): LITIEINPDC[Ala146=]AITQRMVDFA